The following is an entry in ClinVar:

NM_001242896.3(DEPDC5):c.462C>G (p.Gly154=)

Gene: DEPDC5 (DEP domain containing 5, GATOR1 subcomplex subunit; plus strand). Cytogenetic location: 22q12.2.
Variant type: single nucleotide variant.
Coding change: c.462C>G on transcript NM_001242896.3 (MANE Select); coding-DNA position 462, C replaced by G.
Protein change: p.Gly154=; no amino-acid change (glycine 154 retained).
Molecular consequence: synonymous variant. On other transcripts: non-coding transcript variant (5).
Genome position (GRCh38, 1-based): chr22:31,778,147, C>G. VCF-style: chr22-31778147-C-G. GRCh37 (hg19) VCF-style: chr22-32174133-C-G.
Other names: c.462C>G, p.Gly154= (NM_001007188.4, NM_001136029.4, NM_001242897.2 and 7 more transcripts); c.378C>G, p.Gly126= (NM_001369901.1, NM_001369902.1).
Identifiers: ClinVar variation 3342048 (VCV003342048.16).
Genomic context (GRCh38, chr22:31,778,147, plus strand): 5'-GTATTCTTTCAGAGCACAGGCTGGTGAACTGTGGGTTAAGAATGAGAAGGTCATGTGTGG[C>G]TACATCAGTGAAGATACCAGGGTAAGATTTATAAAATGCTTTTTTGGTTTTATCTCTCCA-3'
Protein context (NP_001229825.1, residues 144-164): LWVKNEKVMC[Gly154=]YISEDTRVVF

ClinVar aggregate classification (germline): Likely benign (1 of 4 stars; one submission).

gnomAD v4.1: 1 of 1,614,144 alleles (0.000062%); highest among the groups gnomAD compares: Non-Finnish European, 0.000085%; no homozygotes.

Submission:

CeGaT Center for Human Genetics Tuebingen
Classification: Likely benign. Last evaluated: 2024-08-01. Review status: criteria provided, single submitter. Criteria: CeGaT Center For Human Genetics Tuebingen Variant Classification Criteria Version 2. Collection method: clinical testing. Allele origin: germline. Affected: yes. Observed: 1 variant allele.
Comment: DEPDC5: PM2:Supporting, BP4, BP7